The following is an entry in ClinVar:

ClinVar aggregate classification (germline): Uncertain significance (1 of 4 stars; one submission).

Conditions:
Familial hemophagocytic lymphohistiocytosis 5. Also called: STXBP2-Related Familial Hemophagocytic Lymphohistiocytosis (STXBP2-fHLH). Identifiers: Orphanet 540, MedGen C2751293, MONDO:0013135, OMIM 613101.

gnomAD v4.1: 81 of 1,553,984 alleles (0.0052%); highest among the groups gnomAD compares: Non-Finnish European, 0.0064%; no homozygotes.

Submission:

Labcorp Genetics (formerly Invitae), Labcorp
Classification: Uncertain significance for Familial hemophagocytic lymphohistiocytosis 5. Last evaluated: 2022-08-09. Review status: criteria provided, single submitter. Criteria: Invitae Variant Classification Sherloc (09022015). Collection method: clinical testing. Allele origin: germline.
Comment: This sequence change replaces aspartic acid, which is acidic and polar, with asparagine, which is neutral and polar, at codon 148 of the STXBP2 protein (p.Asp148Asn). The frequency data for this variant in the population databases is considered unreliable, as metrics indicate poor data quality at this position in the gnomAD database. This variant has not been reported in the literature in individuals affected with STXBP2-related conditions. ClinVar contains an entry for this variant (Variation ID: 1412352). Algorithms developed to predict the effect of missense changes on protein structure and function (SIFT, PolyPhen-2, Align-GVGD) all suggest that this variant is likely to be tolerated. In summary, the available evidence is currently insufficient to determine the role of this variant in disease. Therefore, it has been classified as a Variant of Uncertain Significance.

NM_006949.4(STXBP2):c.442G>A (p.Asp148Asn)

Gene: STXBP2 (syntaxin binding protein 2; plus strand). Cytogenetic location: 19p13.2.
Variant type: single nucleotide variant.
Coding change: c.442G>A on transcript NM_006949.4 (MANE Select); coding-DNA position 442, G replaced by A.
Protein change: p.Asp148Asn; replaces aspartic acid 148 with asparagine.
Molecular consequence: missense variant. On other transcripts: non-coding transcript variant (1).
Genome position (GRCh38, 1-based): chr19:7,641,717, G>A. VCF-style: chr19-7641717-G-A. GRCh37 (hg19) VCF-style: chr19-7706603-G-A.
Other names: c.433G>A, p.Asp145Asn (NM_001127396.3); c.475G>A, p.Asp159Asn (NM_001272034.2); short protein forms D145N, D159N, D148N.
Identifiers: ClinVar variation 1412352 (VCV001412352.5), dbSNP rs748998296, ClinGen allele CA304906886.